The following is an entry in ClinVar:

NM_000038.6(APC):c.646C>G (p.Arg216Gly)

Gene: APC (APC regulator of Wnt signaling pathway; plus strand). Cytogenetic location: 5q22.2.
Variant type: single nucleotide variant.
Coding change: c.646C>G on transcript NM_000038.6 (MANE Select); coding-DNA position 646, C replaced by G.
Protein change: p.Arg216Gly; replaces arginine 216 with glycine.
Molecular consequence: missense variant. On other transcripts: 5 prime UTR variant (1), intron variant (2).
Genome position (GRCh38, 1-based): chr5:112,792,446, C>G. VCF-style: chr5-112792446-C-G. GRCh37 (hg19) VCF-style: chr5-112128143-C-G.
Other names: c.646C>G, p.Arg216Gly (NM_001127510.3, NM_001354895.2, NM_001354896.2 and 1 more transcripts); c.676C>G, p.Arg226Gly (NM_001354897.2, NM_001354902.2); c.571C>G, p.Arg191Gly (NM_001354898.2, NM_001354904.2); c.469C>G, p.Arg157Gly (NM_001354900.2, NM_001354901.2, NM_001354905.2); c.-390C>G (NM_001354906.2); c.676-8833C>G (NM_001127511.3); c.646-8833C>G (NM_001354899.2); short protein forms R216G, R191G, R226G, R157G.
Identifiers: ClinVar variation 141927 (VCV000141927.15), dbSNP rs62619935, ClinGen allele CA012188.

ClinVar aggregate classification (germline): Conflicting classifications of pathogenicity. Review status: criteria provided, conflicting classifications (1 of 4 stars). 3 submissions from 3 submitters: Uncertain significance (2); Likely benign (1). Last evaluated 2024-05-25.

Conditions:
Desmoid disease, hereditary (DESMD). Also called: FIBROMATOSIS, FAMILIAL INFILTRATIVE. Identifiers: Orphanet 873, MedGen C1851124, OMIM 135290. Disease mechanism: loss of function.
Gastric adenocarcinoma and proximal polyposis of the stomach (GAPPS). Also called: Polyposis, gastric, Dos Santos and de Magalhaes 1980; Gastric Adenocarcinoma and Proximal Polyposis of the Stomach (GAPPS); POLYPOSIS, GASTRIC. Identifiers: Orphanet 314022, MedGen C4749917, MONDO:0017790, OMIM 619182.
Hepatocellular carcinoma (HCC). Also called: Primary carcinoma of liver; HEPATOMA; LIVER CELL CARCINOMA. Identifiers: Orphanet 88673, MedGen C2239176, MONDO:0007256, OMIM 114550, HP:0001402.
Gastric cancer. Also called: Stomach cancer; Malignant tumor of stomach. Identifiers: MedGen C0024623, MeSH D013274, MONDO:0001056, OMIM 613659, HP:0012126.
Colorectal cancer. Also called: Colorectal cancer, somatic; Malignant Colorectal Neoplasm. Identifiers: MedGen C0346629, MONDO:0005575, OMIM 114500.
Familial adenomatous polyposis 1 (FAP1). Also called: FAMILIAL ADENOMATOUS POLYPOSIS 1, ATTENUATED; POLYPOSIS, ADENOMATOUS INTESTINAL. Identifiers: MedGen C2713442, MONDO:0021056, OMIM 175100. Disease mechanism: loss of function.
Hereditary cancer-predisposing syndrome. Also called: Tumor predisposition; Neoplastic Syndromes, Hereditary; Hereditary Cancer Syndrome; Hereditary neoplastic syndrome. Identifiers: Orphanet 140162, MedGen C0027672, MeSH D009386, MONDO:0015356.

Submissions (3):

Fulgent Genetics
Classification: Uncertain significance for Colorectal cancer; Hepatocellular carcinoma; Desmoid disease, hereditary; Familial adenomatous polyposis 1; Gastric cancer; Gastric adenocarcinoma and proximal polyposis of the stomach. Last evaluated: 2024-05-25. Review status: criteria provided, single submitter. Criteria: ACMG Guidelines, 2015. Collection method: clinical testing. Allele origin: germline.

Labcorp Genetics (formerly Invitae), Labcorp
Classification: Uncertain significance for Familial adenomatous polyposis 1. Last evaluated: 2024-05-02. Review status: criteria provided, single submitter. Criteria: Invitae Variant Classification Sherloc (09022015). Collection method: clinical testing. Allele origin: germline.
Comment: This sequence change replaces arginine, which is basic and polar, with glycine, which is neutral and non-polar, at codon 216 of the APC protein (p.Arg216Gly). This variant is not present in population databases (gnomAD no frequency). This variant has not been reported in the literature in individuals affected with APC-related conditions. ClinVar contains an entry for this variant (Variation ID: 141927). An algorithm developed to predict the effect of missense changes on protein structure and function (PolyPhen-2) suggests that this variant¬†is likely to be tolerated. In summary, the available evidence is currently insufficient to determine the role of this variant in disease. Therefore, it has been classified as a Variant of Uncertain Significance.

Ambry Genetics
Classification: Likely benign for Hereditary cancer-predisposing syndrome. Last evaluated: 2019-02-16. Review status: criteria provided, single submitter. Criteria: Ambry Variant Classification Scheme 2023. Collection method: clinical testing. Allele origin: germline.